The following is an entry in ClinVar:

ClinVar aggregate classification (germline): Likely benign (1 of 4 stars; one submission).

Conditions:
Lynch syndrome. Identifiers: Orphanet 144, MedGen C4552100, MONDO:0005835. Disease mechanism: loss of function.

Submission:

All of Us Research Program, National Institutes of Health
Classification: Likely benign for Lynch syndrome. Last evaluated: 2023-02-15. Review status: criteria provided, single submitter. Criteria: ACMG Guidelines, 2015. Collection method: clinical testing. Allele origin: germline. Inheritance: Autosomal dominant inheritance. Observed: 1 variant allele, 1 heterozygote.
Comment: This study involves interpretation of variants in research participants for the purpose of population health screening. Participant phenotype was not available at the time of variant classification. Additional details can be found in publication PMID: 35346344, PMCID: PMC8962531

NM_000535.7(PMS2):c.706-3_706-2insT

Gene: PMS2 (PMS1 homolog 2, mismatch repair system component; minus strand). Cytogenetic location: 7p22.1.
Variant type: Insertion.
Coding change: c.706-3_706-2insT on transcript NM_000535.7 (MANE Select); 3 bases into the intron before coding-DNA position 706 through the canonical splice acceptor site of the intron before coding-DNA position 706, T inserted.
Molecular consequence: intron variant.
Genome position: GRCh38 VCF-style: chr7-5997425-T-TA. GRCh37 (hg19) VCF-style: chr7-6037056-T-TA.
Other names: c.388-3_388-2insT (NM_001322008.2, NM_001406902.1, NM_001406883.1 and 4 more transcripts); c.397-3_397-2insT (NM_001406881.1, NM_001406879.1, NM_001322015.2 and 6 more transcripts); c.301-3_301-2insT (NM_001406895.1, NM_001322010.2, NM_001322004.2 and 19 more transcripts); c.132+5027_132+5028insT (NM_001406911.1); c.193-3_193-2insT (NM_001406904.1, NM_001406905.1); c.133-3_133-2insT (NM_001322013.2, NM_001406909.1); c.-228-3_-228-2insT (NM_001322012.2, NM_001322011.2); c.370-3_370-2insT (NM_001406885.1); and 7 more.
Identifiers: ClinVar variation 3069360 (VCV003069360.1), dbSNP rs1784549563, ClinGen allele CA1097970568.